The following is an entry in ClinVar:

ClinVar aggregate classification (germline): Uncertain significance (1 of 4 stars; one submission).

Conditions:
Neurofibromatosis, type 1 (NF1). Also called: VON RECKLINGHAUSEN DISEASE; Neurofibromatosis, type I; NEUROFIBROMATOSIS, TYPE I, SOMATIC; Peripheral type neurofibromatosis. Identifiers: Orphanet 636, MedGen C0027831, MONDO:0018975, OMIM 162200. Disease mechanism: loss of function.

Submission:

Labcorp Genetics (formerly Invitae), Labcorp
Classification: Uncertain significance for Neurofibromatosis, type 1. Last evaluated: 2025-06-08. Review status: criteria provided, single submitter. Criteria: Invitae Variant Classification Sherloc (09022015). Collection method: clinical testing. Allele origin: germline.
Comment: This sequence change replaces asparagine, which is neutral and polar, with serine, which is neutral and polar, at codon 1835 of the NF1 protein (p.Asn1835Ser). This variant is not present in population databases (gnomAD no frequency). This variant has not been reported in the literature in individuals affected with NF1-related conditions. Invitae Evidence Modeling of protein sequence and biophysical properties (such as structural, functional, and spatial information, amino acid conservation, physicochemical variation, residue mobility, and thermodynamic stability) indicates that this missense variant is expected to disrupt NF1 protein function with a positive predictive value of 95%. In summary, the available evidence is currently insufficient to determine the role of this variant in disease. Therefore, it has been classified as a Variant of Uncertain Significance.

NM_001042492.3(NF1):c.5567A>G (p.Asn1856Ser)

Gene: NF1 (neurofibromin 1; plus strand). Cytogenetic location: 17q11.2.
Variant type: single nucleotide variant.
Coding change: c.5567A>G on transcript NM_001042492.3 (MANE Select); coding-DNA position 5567, A replaced by G.
Protein change: p.Asn1856Ser; replaces asparagine 1856 with serine.
Molecular consequence: missense variant.
Genome position (GRCh38, 1-based): chr17:31,327,797, A>G. VCF-style: chr17-31327797-A-G. GRCh37 (hg19) VCF-style: chr17-29654815-A-G.
Other names: c.5504A>G, p.Asn1835Ser (NM_000267.4); short protein forms N1835S, N1856S.
Identifiers: ClinVar variation 4800781 (VCV004800781.1).